The following is an entry in ClinVar:

NM_001177693.2(ARHGEF28):c.3768C>T (p.Pro1256=)

Gene: ARHGEF28 (Rho guanine nucleotide exchange factor 28; plus strand). Cytogenetic location: 5q13.2.
Variant type: single nucleotide variant.
Coding change: c.3768C>T on transcript NM_001177693.2 (MANE Select); coding-DNA position 3768, C replaced by T.
Protein change: p.Pro1256=; no amino-acid change (proline 1256 retained).
Molecular consequence: synonymous variant.
Genome position (GRCh38, 1-based): chr5:73,894,502, C>T. VCF-style: chr5-73894502-C-T. GRCh37 (hg19) VCF-style: chr5-73190327-C-T.
Other names: c.3768C>T, p.Pro1256= (NM_001080479.3, NM_001388078.1); c.2829C>T, p.Pro943= (NM_001244364.2); c.3474C>T, p.Pro1158= (NM_001388076.1).
Identifiers: ClinVar variation 3031428 (VCV003031428.2), dbSNP rs539016931, ClinGen allele CA3305166.

ClinVar aggregate classification (germline): Likely benign (0 of 4 stars; one submission).

Conditions:
ARHGEF28-related disorder. Also called: ARHGEF28-related condition.

Allele frequency attached by ClinVar (database versions not stated): TOPMed 0.00002; gnomAD 0.00007; gnomAD exomes 0.00007; ExAC 0.00017; 1000 Genomes Project 30x 0.00109; 1000 Genomes Project 0.00140.
gnomAD v4.1: 111 of 1,613,928 alleles (0.0069%); highest among the groups gnomAD compares: South Asian, 0.072%; 2 homozygotes.

Submission:

PreventionGenetics, part of Exact Sciences
Classification: Likely benign for ARHGEF28-related condition. Last evaluated: 2022-12-02. Review status: no assertion criteria provided. Collection method: clinical testing. Allele origin: germline.
Comment: This variant is classified as likely benign based on ACMG/AMP sequence variant interpretation guidelines (Richards et al. 2015 PMID: 25741868, with internal and published modifications).